The following is an entry in ClinVar:

NM_177559.3(CSNK2A1):c.242A>G (p.Glu81Gly)

Gene: CSNK2A1 (casein kinase 2 alpha 1; minus strand). Cytogenetic location: 20p13.
Variant type: single nucleotide variant.
Coding change: c.242A>G on transcript NM_177559.3 (MANE Select); coding-DNA position 242, A replaced by G.
Protein change: p.Glu81Gly; replaces glutamic acid 81 with glycine.
Molecular consequence: missense variant. On other transcripts: 5 prime UTR variant (1).
Genome position (GRCh38, 1-based): chr20:499,906, T>C on the plus strand (A>G on the coding strand, the complement: CSNK2A1 is on the minus strand). VCF-style: chr20-499906-T-C. GRCh37 (hg19) VCF-style: chr20-480550-T-C.
Other names: c.242A>G, p.Glu81Gly (NM_001362770.2, NM_001362771.2, NM_001895.4); c.-167A>G (NM_177560.3); short protein forms E81G.
Identifiers: ClinVar variation 4975326 (VCV004975326.1).
Genomic context (GRCh38, chr20:499,906, plus strand): 5'-ACAATGTCTGCCAGTGTGATGATGTTGGGACCTCCTCTCAAATTCTCCAAAATCTTTATT[T>C]CACGCTTAATTTTCTTCTTTTTTACTGGCTGAAAGGGGAAAAGTACATCAGCAAAAAAAA-3'
Protein context (NP_808227.1, residues 71-91): KPVKKKKIKR[Glu81Gly]IKILENLRGG

ClinVar aggregate classification (germline): Uncertain significance (1 of 4 stars; one submission).

Submission:

GeneDx
Classification: Uncertain significance. Last evaluated: 2026-01-20. Review status: criteria provided, single submitter. Criteria: GeneDx Variant Classification Process June 2021. Collection method: clinical testing. Allele origin: germline.
Comment: Not observed at significant frequency in large population cohorts (gnomAD); In silico analysis supports that this missense variant has a deleterious effect on protein structure/function; Has not been previously published as pathogenic or benign to our knowledge